The following is an entry in ClinVar:

ClinVar aggregate classification (germline): Uncertain significance. Review status: criteria provided, multiple submitters, no conflicts (2 of 4 stars). 4 submissions from 4 submitters: Uncertain significance (4). Last evaluated 2025-09-11.

Conditions:
Hereditary cancer-predisposing syndrome. Also called: Hereditary neoplastic syndrome; Tumor predisposition; Neoplastic Syndromes, Hereditary; Hereditary Cancer Syndrome. Identifiers: Orphanet 140162, MedGen C0027672, MeSH D009386, MONDO:0015356.
Parathyroid carcinoma (PRTC). Also called: Parathyroid gland carcinoma; CDC73-Related Parathyroid Carcinoma. Identifiers: Orphanet 143, MedGen C0687150, MONDO:0012004, OMIM 608266, HP:0006780.
Hyperparathyroidism 1 (HRPT1). Also called: HYPERPARATHYROIDISM, FAMILIAL ISOLATED PRIMARY. Identifiers: Orphanet 99879, MedGen C1840402, MONDO:0007767, OMIM 145000.
Hyperparathyroidism 2 with jaw tumors. Also called: Hyperparathyroidism-Jaw Tumor Syndrome; Hyperparathyroidism 2; HYPERPARATHYROIDISM, FAMILIAL PRIMARY, WITH MULTIPLE OSSIFYING JAW FIBROMAS; HYPERPARATHYROIDISM-JAW TUMOR SYNDROME, HEREDITARY. Identifiers: Orphanet 99880, MedGen C1704981, MONDO:0007768, OMIM 145001.

Submissions (4):

Labcorp Genetics (formerly Invitae), Labcorp
Classification: Uncertain significance for Parathyroid carcinoma. Last evaluated: 2025-09-11. Review status: criteria provided, single submitter. Criteria: Invitae Variant Classification Sherloc (09022015). Collection method: clinical testing. Allele origin: germline.
Comment: This sequence change replaces isoleucine, which is neutral and non-polar, with valine, which is neutral and non-polar, at codon 237 of the CDC73 protein (p.Ile237Val). This variant is not present in population databases (gnomAD no frequency). This variant has not been reported in the literature in individuals affected with CDC73-related conditions. ClinVar contains an entry for this variant (Variation ID: 858341). Invitae Evidence Modeling of protein sequence and biophysical properties (such as structural, functional, and spatial information, amino acid conservation, physicochemical variation, residue mobility, and thermodynamic stability) indicates that this missense variant is not expected to disrupt CDC73 protein function with a negative predictive value of 80%. In summary, the available evidence is currently insufficient to determine the role of this variant in disease. Therefore, it has been classified as a Variant of Uncertain Significance.

Ambry Genetics
Classification: Uncertain significance for Hereditary cancer-predisposing syndrome. Last evaluated: 2024-02-29. Review status: criteria provided, single submitter. Criteria: Ambry Variant Classification Scheme 2023. Collection method: clinical testing. Allele origin: germline.
Comment: The p.I237V variant (also known as c.709A>G), located in coding exon 7 of the CDC73 gene, results from an A to G substitution at nucleotide position 709. The isoleucine at codon 237 is replaced by valine, an amino acid with highly similar properties. This amino acid position is highly conserved in available vertebrate species. In addition, this alteration is predicted to be tolerated by in silico analysis. Since supporting evidence is limited at this time, the clinical significance of this alteration remains unclear.

GeneDx
Classification: Uncertain significance. Last evaluated: 2023-05-26. Review status: criteria provided, single submitter. Criteria: GeneDx Variant Classification Process June 2021. Collection method: clinical testing. Allele origin: germline. Affected: yes.
Comment: Not observed at significant frequency in large population cohorts (gnomAD); In silico analysis supports that this missense variant does not alter protein structure/function; Has not been previously published as pathogenic or benign to our knowledge; This variant is associated with the following publications: (PMID: 15632063, 15923622, 16630820)

Fulgent Genetics
Classification: Uncertain significance for Hyperparathyroidism 1; Hyperparathyroidism 2 with jaw tumors; Parathyroid carcinoma. Last evaluated: 2022-04-24. Review status: criteria provided, single submitter. Criteria: ACMG Guidelines, 2015. Collection method: clinical testing. Allele origin: unknown.

NM_024529.5(CDC73):c.709A>G (p.Ile237Val)

Gene: CDC73 (cell division cycle 73; plus strand). Cytogenetic location: 1q31.2.
Variant type: single nucleotide variant.
Coding change: c.709A>G on transcript NM_024529.5 (MANE Select); coding-DNA position 709, A replaced by G.
Protein change: p.Ile237Val; replaces isoleucine 237 with valine.
Molecular consequence: missense variant.
Genome position (GRCh38, 1-based): chr1:193,142,046, A>G. VCF-style: chr1-193142046-A-G. GRCh37 (hg19) VCF-style: chr1-193111176-A-G.
Other names: short protein forms I237V.
Identifiers: ClinVar variation 858341 (VCV000858341.12), dbSNP rs1675915480, ClinGen allele CA343962812.
Genomic context (GRCh38, chr1:193,142,046, plus strand): 5'-GAGGTAGATGTGACCCGAGATATTGTCAGCAGAGAGAGAGTATGGAGGACACGAACAACT[A>G]TCTTACAAAGCACAGGAAAGGTAATTAAAATATTTTACTCATTCATTGGAGTGAGAGAGA-3'
Protein context (NP_078805.3, residues 227-247): RERVWRTRTT[Ile237Val]LQSTGKNFSK